The following is an entry in ClinVar:

NM_018010.4(IFT57):c.110C>T (p.Ala37Val)

Gene: IFT57 (intraflagellar transport 57; minus strand). Cytogenetic location: 3q13.13.
Variant type: single nucleotide variant.
Coding change: c.110C>T on transcript NM_018010.4 (MANE Select); coding-DNA position 110, C replaced by T.
Protein change: p.Ala37Val; replaces alanine 37 with valine.
Molecular consequence: missense variant.
Genome position (GRCh38, 1-based): chr3:108,222,213, G>A on the plus strand (C>T on the coding strand, the complement: IFT57 is on the minus strand). VCF-style: chr3-108222213-G-A. GRCh37 (hg19) VCF-style: chr3-107941060-G-A.
Other names: c.110C>T (NM_018010.3); short protein forms A37V.
Identifiers: ClinVar variation 3730738 (VCV003730738.3).
Genomic context (GRCh38, chr3:108,222,213, plus strand): 5'-TCGTAGCGGAGCAGCTTCAGCTTCTCCACCAAGTCCTCCATCACCACGAACATGTGGTAG[G>A]CCGCGCCGGGCCCCCGCTCCAAGACCACTTCCCCGGTCCCTTCGCCACGGGACCTAGGCA-3'
Protein context (NP_060480.1, residues 27-47): EVVLERGPGA[Ala37Val]YHMFVVMEDL

ClinVar aggregate classification (germline): Uncertain significance. Review status: criteria provided, multiple submitters, no conflicts (2 of 4 stars). 2 submissions from 2 submitters: Uncertain significance (2). Last evaluated 2025-11-20.

gnomAD v4.1: 1 of 1,614,074 alleles (0.000062%); highest among the groups gnomAD compares: Middle Eastern, 0.016%; no homozygotes.

Submissions (2):

Ambry Genetics
Classification: Uncertain significance. Last evaluated: 2025-11-20. Review status: criteria provided, single submitter. Criteria: Ambry Variant Classification Scheme 2023. Collection method: clinical testing. Allele origin: germline.

Labcorp Genetics (formerly Invitae), Labcorp
Classification: Uncertain significance. Last evaluated: 2025-02-06. Review status: criteria provided, single submitter. Criteria: Invitae Variant Classification Sherloc (09022015). Collection method: clinical testing. Allele origin: germline.
Comment: This sequence change replaces alanine, which is neutral and non-polar, with valine, which is neutral and non-polar, at codon 37 of the IFT57 protein (p.Ala37Val). This variant is present in population databases (no rsID available, gnomAD 0.0009%). This variant has not been reported in the literature in individuals affected with IFT57-related conditions. An algorithm developed to predict the effect of missense changes on protein structure and function (PolyPhen-2) suggests that this variant is likely to be tolerated. In summary, the available evidence is currently insufficient to determine the role of this variant in disease. Therefore, it has been classified as a Variant of Uncertain Significance.